The following is an entry in ClinVar:

NM_000092.5(COL4A4):c.3451G>A (p.Gly1151Arg)

Gene: COL4A4 (collagen type IV alpha 4 chain; minus strand). Cytogenetic location: 2q36.3.
Variant type: single nucleotide variant.
Coding change: c.3451G>A on transcript NM_000092.5 (MANE Select); coding-DNA position 3451, G replaced by A.
Protein change: p.Gly1151Arg; replaces glycine 1151 with arginine.
Molecular consequence: missense variant.
Genome position (GRCh38, 1-based): chr2:227,042,202, C>T on the plus strand (G>A on the coding strand, the complement: COL4A4 is on the minus strand). VCF-style: chr2-227042202-C-T. GRCh37 (hg19) VCF-style: chr2-227906918-C-T.
Other names: short protein forms G1151R.
Identifiers: ClinVar variation 1179184 (VCV001179184.18), dbSNP rs899227425, ClinGen allele CA66569424.

ClinVar aggregate classification (germline): Conflicting classifications of pathogenicity. Review status: criteria provided, conflicting classifications (1 of 4 stars). 5 submissions from 5 submitters: Likely pathogenic (3); Uncertain significance (2). Last evaluated 2026-04-22.

Conditions:
Autosomal recessive Alport syndrome (ATS2). Also called: COL4A4 Alport Syndrome and Thin Basement Membrane Nephropathy; ALPORT SYNDROME 2, AUTOSOMAL RECESSIVE; Alport syndrome type 2; COL4A3-Related Nephropathy. Identifiers: Orphanet 63, Orphanet 88919, MedGen C4746745, MONDO:0008762, OMIM 203780.
Benign familial hematuria. Also called: thin basement membrane disease. Identifiers: MedGen C0241908, MONDO:0957317.
Alport syndrome. Also called: Hemorrhagic familial nephritis; Hemorrhagic hereditary nephritis; Congenital hereditary hematuria. Identifiers: Orphanet 63, MedGen C1567741, MONDO:0018965.

Allele frequency attached by ClinVar (database versions not stated): gnomAD exomes below 0.00001; gnomAD 0.00003; TOPMed 0.00004.

Submissions (5):

Myriad Genetics, Inc.
Classification: Likely pathogenic for Alport syndrome. Last evaluated: 2026-04-22. Review status: criteria provided, single submitter. Criteria: Myriad Autosomal Dominant, Autosomal Recessive and X-Linked Classification Criteria (2023). Collection method: clinical testing. Allele origin: unknown.
Comment: NM_000092.4(COL4A4):c.3451G>A(G1151R) is a missense variant classified as likely pathogenic in the context of Alport syndrome, COL4A4-related. G1151R has been observed in a case with relevant disease (PMID: 40806767). Relevant functional assessments of this variant are not available in the literature. Internal structural analysis of the variant is supportive of pathogenicity. G1151R has been observed in referenced population frequency databases. In summary, NM_000092.4(COL4A4):c.3451G>A(G1151R) is a missense variant that has been observed more frequently in cases with the relevant disease than in healthy populations. Please note: this variant was assessed in the context of healthy population screening.

GeneDx
Classification: Uncertain significance. Last evaluated: 2026-02-06. Review status: criteria provided, single submitter. Criteria: GeneDx Variant Classification Process June 2021. Collection method: clinical testing. Allele origin: germline.
Comment: Reported in a patient with chronic kidney disease in the published literature; however, detailed clinical information was not provided (PMID: 35325889); In silico analysis supports that this missense variant has a deleterious effect on protein structure/function; Not observed at significant frequency in large population cohorts (gnomAD); Affects a glycine residue in a Gly-X-Y motif in the triple helical region of the COL4A4 gene; This variant is associated with the following publications: (PMID: 35325889)

Natera, Inc.
Classification: Likely pathogenic for Alport syndrome. Last evaluated: 2025-09-04. Review status: criteria provided, single submitter. Criteria: Natera Variant Classification Schema (03/2026). Collection method: clinical testing. Allele origin: germline.
Comment: The c.3451G>A variant in COL4A4 is a missense variant predicted to cause substitution of glycine to arginine at amino acid 1151. This variant is rare in the general population with a frequency below the threshold expected for the associated phenotype(s). This variant is located in a functionally critical region of the protein. Computational prediction algorithms indicate this variant is likely to affect gene or protein function. Given the available evidence, this variant is classified as Likely Pathogenic.

Labcorp Genetics (formerly Invitae), Labcorp
Classification: Uncertain significance. Last evaluated: 2025-06-12. Review status: criteria provided, single submitter. Criteria: Invitae Variant Classification Sherloc (09022015). Collection method: clinical testing. Allele origin: germline.
Comment: This sequence change replaces glycine, which is neutral and non-polar, with arginine, which is basic and polar, at codon 1151 of the COL4A4 protein (p.Gly1151Arg). This variant is present in population databases (no rsID available, gnomAD 0.01%). This missense change has been observed in individual(s) with COL4A4-related conditions (PMID: 35325889). ClinVar contains an entry for this variant (Variation ID: 1179184). Invitae Evidence Modeling of protein sequence and biophysical properties (such as structural, functional, and spatial information, amino acid conservation, physicochemical variation, residue mobility, and thermodynamic stability) indicates that this missense variant is expected to disrupt COL4A4 protein function with a positive predictive value of 95%. In summary, the available evidence is currently insufficient to determine the role of this variant in disease. Therefore, it has been classified as a Variant of Uncertain Significance.

Fulgent Genetics
Classification: Likely pathogenic for Hematuria, benign familial, 1; Autosomal recessive Alport syndrome. Last evaluated: 2021-06-30. Review status: criteria provided, single submitter. Criteria: ACMG Guidelines, 2015. Collection method: clinical testing. Allele origin: unknown.
Comment: This variant has been detected in individual(s) who were sent for testing of Renasight - kidney gene panel.

Literature cited by the submitters: PubMed 40806767 (cited by Myriad Genetics, Inc.); PubMed 35325889 (cited by Labcorp Genetics (formerly Invitae), Labcorp).